The following is an entry in ClinVar:

NM_020831.6(MRTFA):c.1327C>G (p.Leu443Val)

Gene: MRTFA (myocardin related transcription factor A; minus strand). Cytogenetic location: 22q13.1.
Variant type: single nucleotide variant.
Coding change: c.1327C>G on transcript NM_020831.6 (MANE Select); coding-DNA position 1327, C replaced by G.
Protein change: p.Leu443Val; replaces leucine 443 with valine.
Molecular consequence: missense variant.
Genome position (GRCh38, 1-based): chr22:40,420,431, G>C on the plus strand (C>G on the coding strand, the complement: MRTFA is on the minus strand). VCF-style: chr22-40420431-G-C. GRCh37 (hg19) VCF-style: chr22-40816435-G-C.
Other names: c.1027C>G, p.Leu343Val (NM_001282660.2); c.1177C>G, p.Leu393Val (NM_001282661.3); c.1327C>G, p.Leu443Val (NM_001282662.3); c.1132C>G, p.Leu378Val (NM_001318139.2); short protein forms L343V, L393V, L378V, L443V.
Identifiers: ClinVar variation 2132317 (VCV002132317.4), dbSNP rs749255930, ClinGen allele CA10249707.
Genomic context (GRCh38, chr22:40,420,431, plus strand): 5'-TGGCAGTGGCTCAAGTTTTCCAGTGGCCATGTACCTTCATGTCGTCCAGGTTGGCCGGCA[G>C]GGCTCCCGGCTTGCCAGTCAGTGAGGTGCTGTTCTGACGTGCCAGCCCACAGGGCCCAGG-3'
Protein context (NP_065882.2, residues 433-453): STSLTGKPGA[Leu443Val]PANLDDMKVA

ClinVar aggregate classification (germline): Uncertain significance (1 of 4 stars; one submission).

Allele frequency attached by ClinVar (database versions not stated): ExAC 0.00002; TOPMed below 0.00001; gnomAD exomes 0.00001.
gnomAD v4.1: 5 of 1,613,648 alleles (0.00031%); highest among the groups gnomAD compares: Admixed American, 0.0083%; no homozygotes.

Submission:

Labcorp Genetics (formerly Invitae), Labcorp
Classification: Uncertain significance. Last evaluated: 2025-12-16. Review status: criteria provided, single submitter. Criteria: Invitae Variant Classification Sherloc (09022015). Collection method: clinical testing. Allele origin: germline.
Comment: This sequence change replaces leucine, which is neutral and non-polar, with valine, which is neutral and non-polar, at codon 343 of the MKL1 protein (p.Leu343Val). This variant is present in population databases (rs749255930, gnomAD 0.01%). This variant has not been reported in the literature in individuals affected with MKL1-related conditions. ClinVar contains an entry for this variant (Variation ID: 2132317). An algorithm developed to predict the effect of missense changes on protein structure and function (PolyPhen-2) suggests that this variant is likely to be disruptive. In summary, the available evidence is currently insufficient to determine the role of this variant in disease. Therefore, it has been classified as a Variant of Uncertain Significance.